The following is an entry in ClinVar:

ClinVar aggregate classification (germline): Likely pathogenic (1 of 4 stars; one submission).

Conditions:
PMM2-congenital disorder of glycosylation. Also called: PHOSPHOMANNOMUTASE 2 DEFICIENCY; CARBOHYDRATE-DEFICIENT GLYCOPROTEIN SYNDROME, TYPE Ia; CDG Ia; Congenital disorder of glycosylation, type Ia; PMM2-CDG; JAEKEN SYNDROME. Identifiers: Orphanet 79318, MedGen C0349653, MONDO:0008907, OMIM 212065.

Submission:

Labcorp Genetics (formerly Invitae), Labcorp
Classification: Likely pathogenic for PMM2-congenital disorder of glycosylation. Last evaluated: 2022-05-12. Review status: criteria provided, single submitter. Criteria: Invitae Variant Classification Sherloc (09022015). Collection method: clinical testing. Allele origin: germline.
Comment: This sequence change affects an acceptor splice site in intron 5 of the PMM2 gene. It is expected to disrupt RNA splicing. Variants that disrupt the donor or acceptor splice site typically lead to a loss of protein function (PMID: 16199547), and loss-of-function variants in PMM2 are known to be pathogenic (PMID: 19862844). In summary, the currently available evidence indicates that the variant is pathogenic, but additional data are needed to prove that conclusively. Therefore, this variant has been classified as Likely Pathogenic. Algorithms developed to predict the effect of sequence changes on RNA splicing suggest that this variant may disrupt the consensus splice site. This variant has not been reported in the literature in individuals affected with PMM2-related conditions. This variant is not present in population databases (gnomAD no frequency).

Literature cited by the submitters: PubMed 16199547; PubMed 19862844.

NM_000303.3(PMM2):c.448-2A>T

Gene: PMM2 (phosphomannomutase 2; plus strand). Cytogenetic location: 16p13.2.
Variant type: single nucleotide variant.
Coding change: c.448-2A>T on transcript NM_000303.3 (MANE Select); the canonical splice acceptor site of the intron before coding-DNA position 448, A replaced by T.
Molecular consequence: splice acceptor variant.
Genome position (GRCh38, 1-based): chr16:8,811,636, A>T. VCF-style: chr16-8811636-A-T. GRCh37 (hg19) VCF-style: chr16-8905493-A-T.
Identifiers: ClinVar variation 1523092 (VCV001523092.6), dbSNP rs2141023331, ClinGen allele CA394696800.
Genomic context (GRCh38, chr16:8,811,636, plus strand): 5'-TTAAAACTGTGCTTTCTAAACTGCAATACAAGAAACAATTGGTATCTTTTTGTTTTTCTC[A>T]GAAAGAAAATATAAGACAAAAGTTTGTAGCAGATCTACGGAAAGAGTTTGCTGGAAAAGG-3'